The following is an entry in ClinVar:

ClinVar aggregate classification (germline): Uncertain significance (1 of 4 stars; one submission).

Conditions:
Cardiovascular phenotype. Identifiers: MedGen CN230736.

gnomAD v4.1: 1 of 1,614,074 alleles (0.000062%); highest among the groups gnomAD compares: Non-Finnish European, 0.000085%; no homozygotes.

Submission:

Ambry Genetics
Classification: Uncertain significance for Cardiovascular phenotype. Last evaluated: 2026-06-09. Review status: criteria provided, single submitter. Criteria: Ambry Variant Classification Scheme 2023. Collection method: clinical testing. Allele origin: germline.
Comment: The p.P1130T variant (also known as c.3388C>A), located in coding exon 49 of the COL1A2 gene, results from a C to A substitution at nucleotide position 3388. The proline at codon 1130 is replaced by threonine, an amino acid with highly similar properties. This amino acid position is conserved. In addition, the in silico prediction for this alteration is inconclusive. Based on the available evidence, the clinical significance of this variant remains unclear.

NM_000089.4(COL1A2):c.3388C>A (p.Pro1130Thr)

Gene: COL1A2 (collagen type I alpha 2 chain; plus strand). Cytogenetic location: 7q21.3.
Variant type: single nucleotide variant.
Coding change: c.3388C>A on transcript NM_000089.4 (MANE Select); coding-DNA position 3388, C replaced by A.
Protein change: p.Pro1130Thr; replaces proline 1130 with threonine.
Molecular consequence: missense variant.
Genome position (GRCh38, 1-based): chr7:94,427,747, C>A. VCF-style: chr7-94427747-C-A. GRCh37 (hg19) VCF-style: chr7-94057059-C-A.
Other names: short protein forms P1130T.
Identifiers: ClinVar variation 4869141 (VCV004869141.1).
Genomic context (GRCh38, chr7:94,427,747, plus strand): 5'-TTTGGTTACGATGGAGACTTCTACAGGGCTGACCAGCCTCGCTCAGCACCTTCTCTCAGA[C>A]CCAAGGACTATGAAGTTGATGCTACTCTGAAGTCTCTCAACAACCAGATTGAGACCCTTC-3'
Protein context (NP_000080.2, residues 1120-1140): DQPRSAPSLR[Pro1130Thr]KDYEVDATLK